The following is an entry in ClinVar:

NM_182961.4(SYNE1):c.8014C>G (p.Leu2672Val)

Gene: SYNE1 (spectrin repeat containing nuclear envelope protein 1; minus strand). Cytogenetic location: 6q25.2.
Variant type: single nucleotide variant.
Coding change: c.8014C>G on transcript NM_182961.4 (MANE Select); coding-DNA position 8014, C replaced by G.
Protein change: p.Leu2672Val; replaces leucine 2672 with valine.
Molecular consequence: missense variant.
Genome position (GRCh38, 1-based): chr6:152,390,443, G>C on the plus strand (C>G on the coding strand, the complement: SYNE1 is on the minus strand). VCF-style: chr6-152390443-G-C. GRCh37 (hg19) VCF-style: chr6-152711578-G-C.
Other names: c.8035C>G, p.Leu2679Val (NM_033071.5); short protein forms L2672V, L2679V.
Identifiers: ClinVar variation 578859 (VCV000578859.8), dbSNP rs1563634104, ClinGen allele CA366106426.

ClinVar aggregate classification (germline): Uncertain significance (1 of 4 stars; one submission).

Conditions:
Emery-Dreifuss muscular dystrophy 4, autosomal dominant (EDMD4). Also called: EMERY-DREIFUSS MUSCULAR DYSTROPHY 4 WITH VARIABLE FEATURES. Identifiers: Orphanet 261, MedGen C2751807, MONDO:0013071, OMIM 612998.
Autosomal recessive ataxia, Beauce type. Also called: SYNE1-Related Autosomal Recessive Cerebellar Ataxia; Spinocerebellar ataxia, autosomal recessive 8; ATAXIA, RECESSIVE, OF BEAUCE; SYNE1 Deficiency. Identifiers: Orphanet 88644, MedGen C1853116, MONDO:0012549, OMIM 610743.

Submission:

Labcorp Genetics (formerly Invitae), Labcorp
Classification: Uncertain significance for Emery-Dreifuss muscular dystrophy 4, autosomal dominant; Autosomal recessive ataxia, Beauce type. Last evaluated: 2022-01-14. Review status: criteria provided, single submitter. Criteria: Invitae Variant Classification Sherloc (09022015). Collection method: clinical testing. Allele origin: germline.
Comment: This sequence change replaces leucine, which is neutral and non-polar, with valine, which is neutral and non-polar, at codon 2679 of the SYNE1 protein (p.Leu2679Val). In summary, the available evidence is currently insufficient to determine the role of this variant in disease. Therefore, it has been classified as a Variant of Uncertain Significance. Algorithms developed to predict the effect of missense changes on protein structure and function (SIFT, PolyPhen-2, Align-GVGD) all suggest that this variant is likely to be disruptive. ClinVar contains an entry for this variant (Variation ID: 578859). This variant has not been reported in the literature in individuals affected with SYNE1-related conditions. This variant is not present in population databases (gnomAD no frequency).